The following is an entry in ClinVar:

ClinVar aggregate classification (germline): Uncertain significance (1 of 4 stars; one submission).

Allele frequency attached by ClinVar (database versions not stated): gnomAD exomes below 0.00001; TOPMed below 0.00001.

Submission:

Labcorp Genetics (formerly Invitae), Labcorp
Classification: Uncertain significance. Last evaluated: 2025-12-09. Review status: criteria provided, single submitter. Criteria: Invitae Variant Classification Sherloc (09022015). Collection method: clinical testing. Allele origin: germline.
Comment: This sequence change replaces proline, which is neutral and non-polar, with alanine, which is neutral and non-polar, at codon 46 of the ALPK3 protein (p.Pro46Ala). This variant is not present in population databases (gnomAD no frequency). This variant has not been reported in the literature in individuals affected with ALPK3-related conditions. ClinVar contains an entry for this variant (Variation ID: 1435851). An algorithm developed to predict the effect of missense changes on protein structure and function (PolyPhen-2) suggests that this variant is likely to be disruptive. In summary, the available evidence is currently insufficient to determine the role of this variant in disease. Therefore, it has been classified as a Variant of Uncertain Significance.

NC_000015.10:g.84816982C>G

Gene: ALPK3 (alpha kinase 3; plus strand). Cytogenetic location: 15q25.3.
Variant type: single nucleotide variant.
Genome position: GRCh38 VCF-style: chr15-84816982-C-G. GRCh37 (hg19) VCF-style: chr15-85360213-C-G.
Identifiers: ClinVar variation 1435851 (VCV001435851.6), dbSNP rs1470660128, ClinGen allele CA393368259.
Genomic context (GRCh38, chr15:84,816,982, plus strand): 5'-GTGCCAGGAAGAGGGCTGGTTCTTTGGCTCCCTGGTCTCCCGCGGTCTAGCCCAAGCTGG[C>G]CAGCGGTTGACCTGGCTCCCCTGGCCCCGGCCAGGCCTCGTGGACCCCTCATATGCCACA-3'